The following is an entry in ClinVar:

ClinVar aggregate classification (germline): Uncertain significance (1 of 4 stars; one submission).

Conditions:
Fanconi anemia (FA). Also called: Fanconi's anemia. Identifiers: Orphanet 84, MedGen C0015625, MeSH D005199, MONDO:0019391.

Submission:

Labcorp Genetics (formerly Invitae), Labcorp
Classification: Uncertain significance for Fanconi anemia. Last evaluated: 2019-03-22. Review status: criteria provided, single submitter. Criteria: Invitae Variant Classification Sherloc (09022015). Collection method: clinical testing. Allele origin: germline.
Comment: This sequence change replaces valine with alanine at codon 379 of the FANCD2 protein (p.Val379Ala). The valine residue is weakly conserved and there is a small physicochemical difference between valine and alanine. This variant is not present in population databases (ExAC no frequency). This variant has not been reported in the literature in individuals with FANCD2-related conditions. Algorithms developed to predict the effect of missense changes on protein structure and function output the following: SIFT: "Tolerated"; PolyPhen-2: "Benign"; Align-GVGD: "Class C0". The alanine amino acid residue is found in multiple mammalian species, suggesting that this missense change does not adversely affect protein function. These predictions have not been confirmed by published functional studies and their clinical significance is uncertain. In summary, the available evidence is currently insufficient to determine the role of this variant in disease. Therefore, it has been classified as a Variant of Uncertain Significance.

NM_001018115.3(FANCD2):c.1136T>C (p.Val379Ala)

Genes: FANCD2 (FA complementation group D2; plus strand), LOC107303338 (3p25 FANCD2 Alu-mediated recombination region; plus strand). Cytogenetic location: 3p25.3.
Variant type: single nucleotide variant.
Coding change: c.1136T>C on transcript NM_001018115.3 (MANE Select); coding-DNA position 1136, T replaced by C.
Protein change: p.Val379Ala; replaces valine 379 with alanine.
Molecular consequence: missense variant.
Genome position (GRCh38, 1-based): chr3:10,046,581, T>C. VCF-style: chr3-10046581-T-C. GRCh37 (hg19) VCF-style: chr3-10088265-T-C.
Other names: c.1136T>C, p.Val379Ala (NM_001319984.2, NM_001374253.1, NM_001374254.1 and 1 more transcripts); short protein forms V379A.
Identifiers: ClinVar variation 852262 (VCV000852262.9), dbSNP rs1006403887, ClinGen allele CA70032198.
Genomic context (GRCh38, chr3:10,046,581, plus strand): 5'-GTAGCAAATGTACTGATTTGTTAACTGTTTTTCTGTTGTTGCATATTTATTGACAATAGG[T>C]GTTTGACCTGGTGATGCTTTTCATCATCTATAGCACCAATACTCAGACAAAGAAGTACAT-3'
Protein context (NP_001018125.1, residues 369-389): ENTASVSEHK[Val379Ala]FDLVMLFIIY